The following is an entry in ClinVar:

ClinVar aggregate classification (germline): Uncertain significance. Review status: criteria provided, multiple submitters, no conflicts (2 of 4 stars). 3 submissions from 3 submitters: Uncertain significance (3). Last evaluated 2025-12-18.

Conditions:
Type A2 brachydactyly (BDA2). Also called: Brachymesophalangy type 2; MOHR-WRIEDT TYPE BRACHYDACTYLY; BRACHYMESOPHALANGY II. Identifiers: Orphanet 93396, MedGen C1832702, MONDO:0007216, OMIM 112600, HP:0009372.
Brachydactyly type C (BDC). Identifiers: Orphanet 93384, MedGen C1862103, MONDO:0007221, OMIM 113100, HP:0009373.
Brachydactyly type A1C. Also called: Brachydactyly, type a1, c. Identifiers: Orphanet 93388, MedGen C3554446, MONDO:0014032, OMIM 615072.
Symphalangism, proximal, 1B (SYM1B). Identifiers: Orphanet 3250, MedGen C3809104, MONDO:0014125, OMIM 615298.
Multiple synostoses syndrome 2 (SYNS2). Identifiers: Orphanet 3237, MedGen C1832708, MONDO:0012394, OMIM 610017.
Acromesomelic dysplasia 2B. Also called: DU PAN SYNDROME. Identifiers: Orphanet 2639, MedGen C1856738, MONDO:0009231, OMIM 228900.
Grebe syndrome. Also called: ACROMESOMELIC DYSPLASIA, GREBE TYPE; GREBE DYSPLASIA; ACROMESOMELIC DYSPLASIA 2A. Identifiers: Orphanet 2098, MedGen C0265260, MONDO:0008703, OMIM 200700.
Acromesomelic dysplasia 2C, Hunter-Thompson type. Also called: Acromesomelic dysplasia, Hunter-Thompson type. Identifiers: Orphanet 968, MedGen C2930970, MONDO:0008717, OMIM 201250.
Osteoarthritis susceptibility 5 (OS5). Identifiers: MedGen C4759728, MONDO:0012893, OMIM 612400.

Submissions (3):

Labcorp Genetics (formerly Invitae), Labcorp
Classification: Uncertain significance. Last evaluated: 2025-12-18. Review status: criteria provided, single submitter. Criteria: Invitae Variant Classification Sherloc (09022015). Collection method: clinical testing. Allele origin: germline.
Comment: This variant, c.1198_1200dup, results in the insertion of 1 amino acid(s) of the GDF5 protein (p.Cys400dup), but otherwise preserves the integrity of the reading frame. This variant is present in population databases (rs760180391, gnomAD 0.04%). This variant has not been reported in the literature in individuals affected with GDF5-related conditions. ClinVar contains an entry for this variant (Variation ID: 1019956). Experimental studies and prediction algorithms are not available or were not evaluated, and the functional significance of this variant is currently unknown. In summary, the available evidence is currently insufficient to determine the role of this variant in disease. Therefore, it has been classified as a Variant of Uncertain Significance.

ARUP Laboratories, Molecular Genetics and Genomics, ARUP Laboratories
Classification: Uncertain significance. Last evaluated: 2021-10-11. Review status: criteria provided, single submitter. Criteria: ARUP Molecular Germline Variant Investigation Process 2021. Collection method: clinical testing. Allele origin: germline.
Comment: The GDF5 c.1198_1200dupTGC; p.Cys400dup variant (rs760180391) to our knowledge, is not reported in the medical literature but is reported in ClinVar (Variation ID: 1019956). This variant is found in the Latino population with an allele frequency of 0.04% (14/35440 alleles) in the Genome Aggregation Database. This variant duplicates a single cysteine residue in a non-repetitive region, leaving the rest of the protein in-frame. Due to limited information, the clinical significance of the p.Cys400dup variant is uncertain at this time.

Fulgent Genetics
Classification: Uncertain significance for Type A2 brachydactyly; Brachydactyly type C; Grebe syndrome; Acromesomelic dysplasia 2C, Hunter-Thompson type; Acromesomelic dysplasia 2B; Multiple synostoses syndrome 2; Osteoarthritis susceptibility 5; Brachydactyly type A1C; Symphalangism, proximal, 1B. Last evaluated: 2021-07-24. Review status: criteria provided, single submitter. Criteria: ACMG Guidelines, 2015. Collection method: clinical testing. Allele origin: unknown.

NM_000557.5(GDF5):c.1198_1200dup (p.Cys400dup)

Genes: GDF5 (growth differentiation factor 5; minus strand), GDF5-AS1 (GDF5 antisense RNA 1; plus strand). Cytogenetic location: 20q11.22.
Variant type: Duplication.
Coding change: c.1198_1200dup on transcript NM_000557.5 (MANE Select); coding-DNA positions 1198 to 1200, 3 bases duplicated (TGC; older notation c.1198_1200dupTGC).
Protein change: p.Cys400dup; duplicates cysteine 400.
Molecular consequence: inframe insertion. On other transcripts: non-coding transcript variant (1).
Genome position (GRCh38, 1-based): chr20:35,434,215-35,434,217, GCA duplicated on the plus strand (TGC on the coding strand, the reverse complement: GDF5 is on the minus strand); duplicating any 3 consecutive bases within chr20:35,434,215-35,434,219 gives the same sequence; the c. name uses the placement nearest the transcript's 3' end. VCF-style (leftmost placement, unchanged base first): chr20-35434214-T-TGCA. GRCh37 (hg19) VCF-style: chr20-34022012-T-TGCA.
Other names: c.1198_1200dup, p.Cys400dup (NM_001319138.2).
Identifiers: ClinVar variation 1019956 (VCV001019956.16), dbSNP rs760180391, ClinGen allele CA9832144.